The following is an entry in ClinVar:

NM_000404.4(GLB1):c.734-10C>G

Gene: GLB1 (galactosidase beta 1; minus strand). Cytogenetic location: 3p22.3.
Variant type: single nucleotide variant.
Coding change: c.734-10C>G on transcript NM_000404.4 (MANE Select); 10 bases into the intron before coding-DNA position 734, C replaced by G.
Molecular consequence: intron variant.
Genome position (GRCh38, 1-based): chr3:33,053,559, G>C on the plus strand (C>G on the coding strand, the complement: GLB1 is on the minus strand). VCF-style: chr3-33053559-G-C. GRCh37 (hg19) VCF-style: chr3-33095051-G-C.
Other names: c.734-10C>G (NM_001393580.1); c.341-10C>G (NM_001135602.3); c.878-10C>G (NM_001317040.2); c.644-10C>G (NM_001079811.3).
Identifiers: ClinVar variation 4783619 (VCV004783619.1).
Genomic context (GRCh38, chr3:33,053,559, plus strand): 5'-CTTTGGGCTCACACTTCCTCTGGCTTAGGAAAGCATCTGTGATGTTGCTGCCTGAAAATT[G>C]TAAGAGGGAGAAGGTAGGTCAGTCGTGGAAATGACAAGAAGTTAAATAACAAGAGCCCTT-3'

ClinVar aggregate classification (germline): Uncertain significance (1 of 4 stars; one submission).

Conditions:
GM1 gangliosidosis. Identifiers: Orphanet 354, MedGen C0085131, MONDO:0018149.
Mucopolysaccharidosis, MPS-IV-B (MPS4B). Also called: MORQUIO SYNDROME B; Mucopolysaccharidosis type IVB (Morquio); MPS IVB; Mucopolysaccharidosis type IV B; Mucopolysaccharidosis Type IVB; Mucopolysaccharidosis type 4B. Identifiers: Orphanet 309310, Orphanet 582, MedGen C0086652, MONDO:0009660, OMIM 253010.

gnomAD v4.1: 2 of 1,614,160 alleles (0.00012%); highest among the groups gnomAD compares: East Asian, 0.0022%; no homozygotes.

Submission:

Labcorp Genetics (formerly Invitae), Labcorp
Classification: Uncertain significance for Mucopolysaccharidosis, MPS-IV-B; GM1 gangliosidosis. Last evaluated: 2025-07-03. Review status: criteria provided, single submitter. Criteria: Invitae Variant Classification Sherloc (09022015). Collection method: clinical testing. Allele origin: germline.
Comment: This sequence change falls in intron 6 of the GLB1 gene. It does not directly change the encoded amino acid sequence of the GLB1 protein. This variant is present in population databases (rs181971321, gnomAD 0.0009%). This variant has been observed in individual(s) with neurodevelopment disorder (PMID: 37645600). Algorithms developed to predict the effect of sequence changes on RNA splicing suggest that this variant may disrupt the consensus splice site. In summary, the available evidence is currently insufficient to determine the role of this variant in disease. Therefore, it has been classified as a Variant of Uncertain Significance.

Literature cited by the submitters: PubMed 37645600.